The following is an entry in ClinVar:

ClinVar aggregate classification (germline): Uncertain significance. Review status: criteria provided, multiple submitters, no conflicts (2 of 4 stars). 2 submissions from 2 submitters: Uncertain significance (2). Last evaluated 2024-01-01.

Conditions:
Colorectal cancer, hereditary nonpolyposis, type 7. Identifiers: Orphanet 144, MedGen C1858380, MONDO:0013725, OMIM 614385.

Submissions (2):

Ambry Genetics
Classification: Uncertain significance. Last evaluated: 2024-01-01. Review status: criteria provided, single submitter. Criteria: Ambry Variant Classification Scheme 2023. Collection method: clinical testing. Allele origin: germline.
Comment: The p.T1348A variant (also known as c.4042A>G), located in coding exon 10 of the MLH3 gene, results from an A to G substitution at nucleotide position 4042. The threonine at codon 1348 is replaced by alanine, an amino acid with similar properties. This amino acid position is conserved. In addition, this alteration is predicted to be tolerated by in silico analysis. Since supporting evidence is limited at this time, the clinical significance of this alteration remains unclear.

Labcorp Genetics (formerly Invitae), Labcorp
Classification: Uncertain significance for Colorectal cancer, hereditary nonpolyposis, type 7. Last evaluated: 2019-02-09. Review status: criteria provided, single submitter. Criteria: Invitae Variant Classification Sherloc (09022015). Collection method: clinical testing. Allele origin: germline.
Comment: This variant has not been reported in the literature in individuals with MLH3-related conditions. In summary, the available evidence is currently insufficient to determine the role of this variant in disease. Therefore, it has been classified as a Variant of Uncertain Significance. Algorithms developed to predict the effect of missense changes on protein structure and function are either unavailable or do not agree on the potential impact of this missense change (SIFT: "Tolerated"; PolyPhen-2: "Possibly Damaging"; Align-GVGD: "Class C0"). This variant is not present in population databases (ExAC no frequency). This sequence change replaces threonine with alanine at codon 1348 of the MLH3 protein (p.Thr1348Ala). The threonine residue is highly conserved and there is a small physicochemical difference between threonine and alanine.

NM_001040108.2(MLH3):c.4042A>G (p.Thr1348Ala)

Gene: MLH3 (mutL homolog 3; minus strand). Cytogenetic location: 14q24.3.
Variant type: single nucleotide variant.
Coding change: c.4042A>G on transcript NM_001040108.2 (MANE Select); coding-DNA position 4042, A replaced by G.
Protein change: p.Thr1348Ala; replaces threonine 1348 with alanine.
Molecular consequence: missense variant.
Genome position (GRCh38, 1-based): chr14:75,022,862, T>C on the plus strand (A>G on the coding strand, the complement: MLH3 is on the minus strand). VCF-style: chr14-75022862-T-C. GRCh37 (hg19) VCF-style: chr14-75489565-T-C.
Other names: c.3970A>G, p.Thr1324Ala (NM_014381.3); short protein forms T1324A, T1348A.
Identifiers: ClinVar variation 835549 (VCV000835549.10), dbSNP rs1890379975, ClinGen allele CA390420839.